The following is an entry in ClinVar:

NM_022455.5(NSD1):c.4190C>A (p.Pro1397Gln)

Gene: NSD1 (nuclear receptor binding SET domain protein 1; plus strand). Cytogenetic location: 5q35.3.
Variant type: single nucleotide variant.
Coding change: c.4190C>A on transcript NM_022455.5 (MANE Select); coding-DNA position 4190, C replaced by A.
Protein change: p.Pro1397Gln; replaces proline 1397 with glutamine.
Molecular consequence: missense variant.
Genome position (GRCh38, 1-based): chr5:177,238,505, C>A. VCF-style: chr5-177238505-C-A. GRCh37 (hg19) VCF-style: chr5-176665506-C-A.
Other names: c.3317C>A, p.Pro1106Gln (NM_001365684.2, NM_001409306.1, NM_001409307.1 and 3 more transcripts); c.4190C>A, p.Pro1397Gln (NM_001409301.1, NM_001409302.1, NM_001409303.1); c.3770C>A, p.Pro1257Gln (NM_001409304.1); c.3437C>A, p.Pro1146Gln (NM_001409305.1); short protein forms P1106Q, P1146Q, P1257Q, P1397Q.
Identifiers: ClinVar variation 3901723 (VCV003901723.1).

ClinVar aggregate classification (germline): Uncertain significance (1 of 4 stars; one submission).

Submission:

GeneDx
Classification: Uncertain significance. Last evaluated: 2024-11-27. Review status: criteria provided, single submitter. Criteria: GeneDx Variant Classification Process June 2021. Collection method: clinical testing. Allele origin: germline. Affected: yes.
Comment: Not observed at significant frequency in large population cohorts (gnomAD); In silico analysis indicates that this missense variant does not alter protein structure/function; Has not been previously published as pathogenic or benign to our knowledge